The following is an entry in ClinVar:

NM_000059.4(BRCA2):c.1376T>C (p.Leu459Ser)

Gene: BRCA2 (BRCA2 DNA repair associated; plus strand). Cytogenetic location: 13q13.1.
Variant type: single nucleotide variant.
Coding change: c.1376T>C on transcript NM_000059.4 (MANE Select); coding-DNA position 1376, T replaced by C.
Protein change: p.Leu459Ser; replaces leucine 459 with serine.
Molecular consequence: missense variant.
Genome position (GRCh38, 1-based): chr13:32,332,854, T>C. VCF-style: chr13-32332854-T-C. GRCh37 (hg19) VCF-style: chr13-32906991-T-C.
Other names: short protein forms L459S.
Identifiers: ClinVar variation 141505 (VCV000141505.31), dbSNP rs587781799, ClinGen allele CA011821.

ClinVar aggregate classification (germline): Conflicting classifications of pathogenicity. Review status: criteria provided, conflicting classifications (1 of 4 stars). 7 submissions from 7 submitters: Uncertain significance (6); Likely benign (1). Last evaluated 2025-11-13.

Conditions:
Hereditary cancer-predisposing syndrome. Also called: Neoplastic Syndromes, Hereditary; Tumor predisposition; Hereditary Cancer Syndrome; Hereditary neoplastic syndrome. Identifiers: Orphanet 140162, MedGen C0027672, MeSH D009386, MONDO:0015356.
Hereditary breast ovarian cancer syndrome. Also called: Breast and ovarian cancer; Hereditary breast and ovarian cancer; Hereditary breast and/or ovarian cancer syndrome; BRCA1- and BRCA2-Associated Hereditary Breast and Ovarian Cancer; Hereditary breast and ovarian cancer syndrome; Hereditary breast and ovarian cancer syndrome (HBOC). Identifiers: Orphanet 145, MedGen C0677776, MeSH D061325, MONDO:0003582. Disease mechanism: loss of function.

Allele frequency attached by ClinVar (database versions not stated): gnomAD exomes below 0.00001; gnomAD 0.00001 and 0.00002; TOPMed 0.00003.

Submissions (7):

Labcorp Genetics (formerly Invitae), Labcorp
Classification: Uncertain significance for Hereditary breast ovarian cancer syndrome. Last evaluated: 2025-11-13. Review status: criteria provided, single submitter. Criteria: Invitae Variant Classification Sherloc (09022015). Collection method: clinical testing. Allele origin: germline.
Comment: This sequence change replaces leucine, which is neutral and non-polar, with serine, which is neutral and polar, at codon 459 of the BRCA2 protein (p.Leu459Ser). This variant is present in population databases (rs587781799, gnomAD 0.007%). This missense change has been observed in individual(s) with lung cancer and with a family history of breast and ovarian cancers. However, in that individual and in a relative with lung cancer, a likely pathogenic allele was also identified in EGFR, which suggests that this c.1376T>C variant was not the primary cause of lung cancer (PMID: 24736080). ClinVar contains an entry for this variant (Variation ID: 141505). Invitae Evidence Modeling of protein sequence and biophysical properties (such as structural, functional, and spatial information, amino acid conservation, physicochemical variation, residue mobility, and thermodynamic stability) indicates that this missense variant is not expected to disrupt BRCA2 protein function with a negative predictive value of 95%. In summary, the available evidence is currently insufficient to determine the role of this variant in disease. Therefore, it has been classified as a Variant of Uncertain Significance.

Ambry Genetics
Classification: Uncertain significance for Hereditary cancer-predisposing syndrome. Last evaluated: 2024-10-19. Review status: criteria provided, single submitter. Criteria: Ambry Variant Classification Scheme 2023. Collection method: clinical testing. Allele origin: germline.
Comment: The p.L459S variant (also known as c.1376T>C), located in coding exon 9 of the BRCA2 gene, results from a T to C substitution at nucleotide position 1376. The leucine at codon 459 is replaced by serine, an amino acid with dissimilar properties. This amino acid position is not well conserved in available vertebrate species. In addition, this alteration is predicted to be tolerated by in silico analysis. Since supporting evidence is limited at this time, the clinical significance of this alteration remains unclear.

Color Diagnostics, LLC DBA Color Health
Classification: Uncertain significance for Hereditary cancer-predisposing syndrome. Last evaluated: 2024-09-10. Review status: criteria provided, single submitter. Criteria: ACMG Guidelines, 2015. Collection method: clinical testing. Allele origin: germline.
Comment: This missense variant replaces leucine with serine at codon 459 of the BRCA2 protein. Computational prediction suggests that this variant may not impact protein structure and function. To our knowledge, functional studies have not been performed for this variant. This variant is observed in an individual affected with lung cancer who also has a pathogenic variant in EGFR (PMID: 24736080). A multifactorial analysis has reported likelihood ratios for pathogenicity based on co-occurrence with a pathogenic variant and family history of 1.0498366885 and 0.94617124805, respectively (PMID: 31131967). This variant has been identified in 1/248374 chromosomes in the general population by the Genome Aggregation Database (gnomAD). The available evidence is insufficient to determine the role of this variant in disease conclusively. Therefore, this variant is classified as a Variant of Uncertain Significance.

Quest Diagnostics Nichols Institute San Juan Capistrano
Classification: Uncertain significance. Last evaluated: 2023-12-19. Review status: criteria provided, single submitter. Criteria: Quest Diagnostics criteria. Collection method: clinical testing. Allele origin: unknown.

GeneDx
Classification: Uncertain significance. Last evaluated: 2023-08-18. Review status: criteria provided, single submitter. Criteria: GeneDx Variant Classification Process June 2021. Collection method: clinical testing. Allele origin: germline. Affected: yes.
Comment: Not observed at significant frequency in large population cohorts (gnomAD); In silico analysis supports that this missense variant does not alter protein structure/function; Also known as 1604T>C; This variant is associated with the following publications: (PMID: 31131967, 31703574, 24736080)

University of Washington Department of Laboratory Medicine, University of Washington
Classification: Likely benign for Hereditary cancer-predisposing syndrome. Last evaluated: 2023-03-23. Review status: criteria provided, single submitter. Criteria: Dines et al. (Genet Med. 2020). Collection method: curation. Allele origin: germline.
Comment: Missense variant in a coldspot region where missense variants are very unlikely to be pathogenic (PMID:31911673).

BRCA2 exon 10 coldspot. Reclassification based on statistical prior probability.

Women's Health and Genetics/Laboratory Corporation of America, LabCorp
Classification: Uncertain significance. Last evaluated: 2022-12-15. Review status: criteria provided, single submitter. Criteria: LabCorp Variant Classification Summary - May 2015. Collection method: clinical testing. Allele origin: germline.
Comment: Variant summary: BRCA2 c.1376T>C (p.Leu459Ser) results in a non-conservative amino acid change in the encoded protein sequence. Four of five in-silico tools predict a benign effect of the variant on protein function. The variant allele was found at a frequency of 4e-06 in 248374 control chromosomes (gnomAD). The available data on variant occurrences in the general population are insufficient to allow any conclusion about variant significance. c.1376T>C has been reported in the literature in one family with individuals who were affected Lung Cancer and breast cancer (Yu_2014). However, a different pathogenic EGFR variant (ClinVar: 16613) was considered the primary cause of the disease phenotype in this family. Therefore, this report does not provide unequivocal conclusions about association of the variant with Hereditary Breast And Ovarian Cancer Syndrome. To our knowledge, no experimental evidence demonstrating an impact on protein function has been reported. Five ClinVar submitters have assessed the variant since 2014: all have classified the variant as uncertain significance. Based on the evidence outlined above, the variant was classified as uncertain significance.

Literature cited by the submitters: PubMed 24736080 (cited by 5 submitters); PubMed 31131967 (cited by Color Diagnostics, LLC DBA Color Health and Quest Diagnostics Nichols Institute San Juan Capistrano); PubMed 31911673 (cited by Quest Diagnostics Nichols Institute San Juan Capistrano).